The following is an entry in ClinVar:

NM_015693.4(INTU):c.1081C>T (p.Gln361Ter)

Gene: INTU (inturned planar cell polarity protein; plus strand). Cytogenetic location: 4q28.1.
Variant type: single nucleotide variant.
Coding change: c.1081C>T on transcript NM_015693.4 (MANE Select); coding-DNA position 1081, C replaced by T.
Protein change: p.Gln361Ter; replaces glutamine 361 with a stop codon.
Molecular consequence: nonsense.
Genome position (GRCh38, 1-based): chr4:127,669,144, C>T. VCF-style: chr4-127669144-C-T. GRCh37 (hg19) VCF-style: chr4-128590299-C-T.
Other names: short protein forms Q361*.
Identifiers: ClinVar variation 4716135 (VCV004716135.1).

ClinVar aggregate classification (germline): Uncertain significance (1 of 4 stars; one submission).

Submission:

Labcorp Genetics (formerly Invitae), Labcorp
Classification: Uncertain significance. Last evaluated: 2025-08-31. Review status: criteria provided, single submitter. Criteria: Invitae Variant Classification Sherloc (09022015). Collection method: clinical testing. Allele origin: germline.
Comment: This sequence change creates a premature translational stop signal (p.Gln361*) in the INTU gene. It is expected to result in an absent or disrupted protein product. However, the current clinical and genetic evidence is not sufficient to establish whether loss-of-function variants in INTU cause disease. This variant is not present in population databases (gnomAD no frequency). This variant has not been reported in the literature in individuals affected with INTU-related conditions. Algorithms developed to predict the effect of sequence changes on RNA splicing suggest that this variant may disrupt the consensus splice site. In summary, the available evidence is currently insufficient to determine the role of this variant in disease. Therefore, it has been classified as a Variant of Uncertain Significance.